The following is an entry in ClinVar:

NM_000383.4(AIRE):c.1480C>T (p.Arg494Cys)

Gene: AIRE (autoimmune regulator; plus strand). Cytogenetic location: 21q22.3.
Variant type: single nucleotide variant.
Coding change: c.1480C>T on transcript NM_000383.4 (MANE Select); coding-DNA position 1480, C replaced by T.
Protein change: p.Arg494Cys; replaces arginine 494 with cysteine.
Molecular consequence: missense variant.
Genome position (GRCh38, 1-based): chr21:44,294,480, C>T. VCF-style: chr21-44294480-C-T. GRCh37 (hg19) VCF-style: chr21-45714363-C-T.
Other names: short protein forms R494C.
Identifiers: ClinVar variation 528308 (VCV000528308.10), dbSNP rs1465595959, ClinGen allele CA410425997.

ClinVar aggregate classification (germline): Uncertain significance. Review status: criteria provided, single submitter (1 of 4 stars). 2 submissions from 2 submitters: Uncertain significance (1). 1 of the submissions does not count toward it. Last evaluated 2025-07-27.

Conditions:
Polyglandular autoimmune syndrome, type 1 (APS1). Also called: AUTOIMMUNE POLYENDOCRINE SYNDROME, TYPE I, WITH OR WITHOUT REVERSIBLE METAPHYSEAL DYSPLASIA; APS I; HYPOADRENOCORTICISM WITH HYPOPARATHYROIDISM AND SUPERFICIAL MONILIASIS; PGA I; Autoimmune polyendocrine syndrome type 1; Autoimmune polyendocrinopathy syndrome, type I. Identifiers: Orphanet 3453, MedGen C0085859, MONDO:0009411, OMIM 240300.

Allele frequency attached by ClinVar (database versions not stated): gnomAD 0.00001; gnomAD exomes 0.00001; TOPMed 0.00001.
gnomAD v4.1: 13 of 1,533,616 alleles (0.00085%); highest among the groups gnomAD compares: South Asian, 0.0036%; no homozygotes.

Submissions (2):

Labcorp Genetics (formerly Invitae), Labcorp
Classification: Uncertain significance for Polyglandular autoimmune syndrome, type 1. Last evaluated: 2025-07-27. Review status: criteria provided, single submitter. Criteria: Invitae Variant Classification Sherloc (09022015). Collection method: clinical testing. Allele origin: germline.
Comment: This sequence change replaces arginine, which is basic and polar, with cysteine, which is neutral and slightly polar, at codon 494 of the AIRE protein (p.Arg494Cys). The frequency data for this variant in the population databases is considered unreliable, as metrics indicate poor data quality at this position in the gnomAD database. This variant has not been reported in the literature in individuals affected with AIRE-related conditions. ClinVar contains an entry for this variant (Variation ID: 528308). Invitae Evidence Modeling of protein sequence and biophysical properties (such as structural, functional, and spatial information, amino acid conservation, physicochemical variation, residue mobility, and thermodynamic stability) indicates that this missense variant is not expected to disrupt AIRE protein function with a negative predictive value of 95%. In summary, the available evidence is currently insufficient to determine the role of this variant in disease. Therefore, it has been classified as a Variant of Uncertain Significance.

Natera, Inc.
Classification: Uncertain significance for Polyglandular autoimmune syndrome type 1. Last evaluated: 2020-02-26. Review status: no assertion criteria provided. Collection method: clinical testing. Allele origin: germline. Not counted in ClinVar's aggregate classification.